The following is an entry in ClinVar:

NM_006648.4(WNK2):c.1289T>C (p.Ile430Thr)

Gene: WNK2 (WNK lysine deficient protein kinase 2; plus strand). Cytogenetic location: 9q22.31.
Variant type: single nucleotide variant.
Coding change: c.1289T>C on transcript NM_006648.4 (MANE Select); coding-DNA position 1289, T replaced by C.
Protein change: p.Ile430Thr; replaces isoleucine 430 with threonine.
Molecular consequence: missense variant.
Genome position (GRCh38, 1-based): chr9:93,238,288, T>C. VCF-style: chr9-93238288-T-C. GRCh37 (hg19) VCF-style: chr9-96000570-T-C.
Other names: c.1289T>C, p.Ile430Thr (NM_001282394.3); short protein forms I430T.
Identifiers: ClinVar variation 4201593 (VCV004201593.1).
Genomic context (GRCh38, chr9:93,238,288, plus strand): 5'-GTCAGGGTATCAAGCCGGCCAGCTTTGAGAAAGTGCACGATCCTGAAATCAAGGAGATTA[T>C]TGGGGAGTGTATCTGCAAAAACAAGGAGGAAAGGTGAGTTCCCCTGAAGGGCTGGGTTCT-3'
Protein context (NP_006639.3, residues 420-440): KVHDPEIKEI[Ile430Thr]GECICKNKEE

ClinVar aggregate classification (germline): Uncertain significance (1 of 4 stars; one submission).

gnomAD v4.1: 1 of 1,613,896 alleles (0.000062%); highest among the groups gnomAD compares: Non-Finnish European, 0.000085%; no homozygotes.

Submission:

Ambry Genetics
Classification: Uncertain significance. Last evaluated: 2025-07-06. Review status: criteria provided, single submitter. Criteria: Ambry Variant Classification Scheme 2023. Collection method: clinical testing. Allele origin: germline.
Comment: The p.I430T variant (also known as c.1289T>C), located in coding exon 5 of the WNK2 gene, results from a T to C substitution at nucleotide position 1289. The isoleucine at codon 430 is replaced by threonine, an amino acid with similar properties. This amino acid position is conserved. In addition, this alteration is predicted to be deleterious by in silico analysis. Based on the available evidence, the clinical significance of this variant remains unclear.